The following is an entry in ClinVar:

ClinVar aggregate classification (germline): Conflicting classifications of pathogenicity. Review status: criteria provided, conflicting classifications (1 of 4 stars). 2 submissions from 2 submitters: Likely pathogenic (1); Uncertain significance (1). Last evaluated 2022-07-14.

Conditions:
Mucopolysaccharidosis type 7 (MPS7). Also called: BETA-GLUCURONIDASE DEFICIENCY; SLY SYNDROME; GUSB DEFICIENCY; MPS VII. Identifiers: Orphanet 584, MedGen C0085132, MONDO:0009662, OMIM 253220.
GUSB-related disorders.

Allele frequency attached by ClinVar (database versions not stated): gnomAD exomes below 0.00001; ExAC 0.00001.
gnomAD v4.1: 2 of 1,613,586 alleles (0.00012%); highest among the groups gnomAD compares: Non-Finnish European, 0.00017%; no homozygotes.

Submissions (2):

Blueprint Genetics
Classification: Likely pathogenic for GUSB-related disorders. Last evaluated: 2022-07-14. Review status: criteria provided, single submitter. Criteria: ACMG Guidelines, 2015. Collection method: clinical testing. Allele origin: germline. Affected: yes. Observed: 1 variant allele.

Labcorp Genetics (formerly Invitae), Labcorp
Classification: Uncertain significance for Mucopolysaccharidosis type 7. Last evaluated: 2022-06-03. Review status: criteria provided, single submitter. Criteria: Invitae Variant Classification Sherloc (09022015). Collection method: clinical testing. Allele origin: germline.
Comment: This sequence change replaces methionine, which is neutral and non-polar, with arginine, which is basic and polar, at codon 77 of the GUSB protein (p.Met77Arg). This variant is present in population databases (rs751845855, gnomAD 0.0009%). This variant has not been reported in the literature in individuals affected with GUSB-related conditions. ClinVar contains an entry for this variant (Variation ID: 1404993). Algorithms developed to predict the effect of missense changes on protein structure and function are either unavailable or do not agree on the potential impact of this missense change (SIFT: "Deleterious"; PolyPhen-2: "Probably Damaging"; Align-GVGD: "Class C0"). Algorithms developed to predict the effect of sequence changes on RNA splicing suggest that this variant may create or strengthen a splice site. In summary, the available evidence is currently insufficient to determine the role of this variant in disease. Therefore, it has been classified as a Variant of Uncertain Significance.

NM_000181.4(GUSB):c.230T>G (p.Met77Arg)

Gene: GUSB (glucuronidase beta; minus strand). Cytogenetic location: 7q11.21.
Variant type: single nucleotide variant.
Coding change: c.230T>G on transcript NM_000181.4 (MANE Select); coding-DNA position 230, T replaced by G.
Protein change: p.Met77Arg; replaces methionine 77 with arginine.
Molecular consequence: missense variant. On other transcripts: 5 prime UTR variant (2), non-coding transcript variant (1).
Genome position (GRCh38, 1-based): chr7:65,980,390, A>C on the plus strand (T>G on the coding strand, the complement: GUSB is on the minus strand). VCF-style: chr7-65980390-A-C. GRCh37 (hg19) VCF-style: chr7-65445377-A-C.
Other names: c.230T>G, p.Met77Arg (NM_001284290.2); c.-156T>G (NM_001293104.2); c.-100T>G (NM_001293105.2); short protein forms M77R.
Identifiers: ClinVar variation 1404993 (VCV001404993.7), dbSNP rs751845855, ClinGen allele CA4276704.